The following is an entry in ClinVar:

NM_001370259.2(MEN1):c.67T>C (p.Phe23Leu)

Gene: MEN1 (menin 1; minus strand). Cytogenetic location: 11q13.1.
Variant type: single nucleotide variant.
Coding change: c.67T>C on transcript NM_001370259.2 (MANE Select); coding-DNA position 67, T replaced by C.
Protein change: p.Phe23Leu; replaces phenylalanine 23 with leucine.
Molecular consequence: missense variant. On other transcripts: non-coding transcript variant (4).
Genome position (GRCh38, 1-based): chr11:64,810,043, A>G on the plus strand (T>C on the coding strand, the complement: MEN1 is on the minus strand). VCF-style: chr11-64810043-A-G. GRCh37 (hg19) VCF-style: chr11-64577515-A-G.
Other names: c.67T>C, p.Phe23Leu (NM_000244.4, NM_001370251.2, NM_001370260.2 and 20 more transcripts); short protein forms F23L.
Identifiers: ClinVar variation 4842466 (VCV004842466.1).

ClinVar aggregate classification (germline): Uncertain significance (1 of 4 stars; one submission).

Conditions:
Hereditary cancer-predisposing syndrome. Also called: Neoplastic Syndromes, Hereditary; Tumor predisposition; Hereditary Cancer Syndrome; Hereditary neoplastic syndrome. Identifiers: Orphanet 140162, MedGen C0027672, MeSH D009386, MONDO:0015356.

gnomAD v4.1: 1 of 1,609,840 alleles (0.000062%); highest among the groups gnomAD compares: Non-Finnish European, 0.000085%; no homozygotes.

Submission:

Ambry Genetics
Classification: Uncertain significance for Hereditary cancer-predisposing syndrome. Last evaluated: 2025-12-20. Review status: criteria provided, single submitter. Criteria: Ambry Variant Classification Scheme 2023. Collection method: clinical testing. Allele origin: germline.
Comment: The p.F23L variant (also known as c.67T>C), located in coding exon 1 of the MEN1 gene, results from a T to C substitution at nucleotide position 67. The phenylalanine at codon 23 is replaced by leucine, an amino acid with highly similar properties. This amino acid position is conserved. In addition, this alteration is predicted to be deleterious by in silico analysis. Based on the available evidence, the clinical significance of this variant remains unclear.